The following is an entry in ClinVar:

ClinVar aggregate classification (germline): Pathogenic (1 of 4 stars; one submission).

Conditions:
Hereditary spherocytosis type 1. Also called: Spherocytosis type 1; ANK1-Related Spherocytosis. Identifiers: Orphanet 822, MedGen C2674218, MONDO:0008447, OMIM 182900.

Submission:

Victorian Clinical Genetics Services, Murdoch Childrens Research Institute
Classification: Pathogenic for Hereditary spherocytosis type 1. Last evaluated: 2026-04-09. Review status: criteria provided, single submitter. Criteria: ACMG Guidelines, 2015. Collection method: clinical testing. Allele origin: germline. Affected: yes.
Comment: This variant is classified as Pathogenic. Evidence in support of pathogenic classification: Variant is predicted to cause nonsense-mediated decay (NMD) and loss of protein (premature termination codon is located at least 54 nucleotides upstream of the final exon-exon junction); Variant is absent from gnomAD (v2, v3 and v4); Other NMD-predicted variant(s) comparable to the one identified in this case have very strong previous evidence for pathogenicity (DECIPHER). Additional information: This variant is heterozygous; This gene is associated with autosomal dominant disease. Whilst predominantly autosomal dominant, biallelic variants have been associated with a more severe disorder; however, this is not well established (ClinGen); This variant has no previous evidence of pathogenicity; No published evidence of segregation with disease has been identified for this variant; No published functional evidence has been identified for this variant; Loss of function is a known mechanism of disease in this gene and is associated with spherocytosis, type 1 (MIM#182900); Variants in this gene are known to have variable expressivity. Mildly affected individuals may appear asymptomatic (ClinGen); Inheritance information for this variant is not currently available in this individual.

NM_000037.4(ANK1):c.360del (p.Glu121fs)

Gene: ANK1 (ankyrin 1; minus strand). Cytogenetic location: 8p11.21.
Variant type: Deletion.
Coding change: c.360del on transcript NM_000037.4 (MANE Select); coding-DNA position 360, one base deleted (A; older notation c.360delA).
Protein change: p.Glu121fs; shifts the reading frame from glutamic acid 121.
Molecular consequence: frameshift variant.
Genome position (GRCh38, 1-based): chr8:41,727,316, T deleted on the plus strand (A on the coding strand, the reverse complement: ANK1 is on the minus strand); the first of 2 consecutive T bases (chr8:41,727,316-41,727,317); deleting either gives the same sequence. VCF-style (leftmost placement, unchanged base first): chr8-41727315-CT-C. GRCh37 (hg19) VCF-style: chr8-41584833-CT-C.
Other names: c.459del, p.Glu154fs (NM_001142446.2); c.360del, p.Glu121fs (NM_020475.3, NM_020476.3, NM_020477.3); short protein forms E121fs, E154fs.
Identifiers: ClinVar variation 4879757 (VCV004879757.1).